The following is an entry in ClinVar:

ClinVar aggregate classification (germline): Uncertain significance. Review status: criteria provided, multiple submitters, no conflicts (2 of 4 stars). 3 submissions from 3 submitters: Uncertain significance (2). 1 of the submissions does not count toward it. Last evaluated 2024-09-30.

Conditions:
SCYL2-related disorder. Also called: SCYL2-related condition.
Inborn genetic diseases. Identifiers: MedGen C0950123, MeSH D030342.

Allele frequency attached by ClinVar (database versions not stated): ESP Exome Variant Server 0.00015; 1000 Genomes Project 30x 0.00016; gnomAD 0.00016; ExAC 0.00017; TOPMed 0.00017; 1000 Genomes Project 0.00020; gnomAD exomes 0.00024.
gnomAD v4.1: 372 of 1,561,748 alleles (0.024%); highest among the groups gnomAD compares: Non-Finnish European, 0.03%; no homozygotes.

Submissions (4):

Ambry Genetics
Classification: Uncertain significance for Inborn genetic diseases. Last evaluated: 2024-09-30. Review status: criteria provided, single submitter. Criteria: Ambry Variant Classification Scheme 2023. Collection method: clinical testing. Allele origin: germline.

GeneDx
Classification: Uncertain significance. Last evaluated: 2024-05-22. Review status: criteria provided, single submitter. Criteria: GeneDx Variant Classification Process June 2021. Collection method: clinical testing. Allele origin: germline. Affected: yes.
Comment: In silico analysis indicates that this missense variant does not alter protein structure/function; Has not been previously published as pathogenic or benign to our knowledge; Variants in candidate genes are classified as variants of uncertain significance in accordance with ACMG guidelines (PMID: 25741868)

PreventionGenetics, part of Exact Sciences
Classification: Uncertain significance for SCYL2-related condition. Last evaluated: 2024-01-24. Review status: no assertion criteria provided. Collection method: clinical testing. Allele origin: germline. Not counted in ClinVar's aggregate classification.
Comment: The SCYL2 c.961A>G variant is predicted to result in the amino acid substitution p.Met321Val. To our knowledge, this variant has not been reported in the literature. This variant is reported in 0.035% of alleles in individuals of European (Non-Finnish) descent in gnomAD. At this time, the clinical significance of this variant is uncertain due to the absence of conclusive functional and genetic evidence.

Dr. Peter K. Rogan Lab, Western University
No classification provided (evidence only). Condition: Melanoma. Review status: no classification provided. Collection method: in vitro. Allele origin: not applicable. Functional consequence: skipped exon. Not counted in ClinVar's aggregate classification.

NM_017988.6(SCYL2):c.961A>G (p.Met321Val)

Gene: SCYL2 (SCY1 like pseudokinase 2; plus strand). Cytogenetic location: 12q23.1.
Variant type: single nucleotide variant.
Coding change: c.961A>G on transcript NM_017988.6 (MANE Select); coding-DNA position 961, A replaced by G.
Protein change: p.Met321Val; replaces methionine 321 with valine.
Molecular consequence: missense variant.
Genome position (GRCh38, 1-based): chr12:100,313,530, A>G. VCF-style: chr12-100313530-A-G. GRCh37 (hg19) VCF-style: chr12-100707308-A-G.
Other names: NC_000012.11:g.100707308A>G; c.961A>G, p.Met321Val (NM_001317784.2, NM_001330253.2, NM_001330254.2); c.442A>G, p.Met148Val (NM_001330256.2); c.961A>G (NM_017988.5, NM_017988.4); short protein forms M148V, M321V.
Identifiers: ClinVar variation 3051711 (VCV003051711.6), dbSNP rs146661537, ClinGen allele CA6738152.